The following is an entry in ClinVar:

NM_031407.7(HUWE1):c.10081T>C (p.Cys3361Arg)

Gene: HUWE1 (HECT, UBA and WWE domain containing E3 ubiquitin protein ligase 1; minus strand). Cytogenetic location: Xp11.22.
Variant type: single nucleotide variant.
Coding change: c.10081T>C on transcript NM_031407.7 (MANE Select); coding-DNA position 10081, T replaced by C.
Protein change: p.Cys3361Arg; replaces cysteine 3361 with arginine.
Molecular consequence: missense variant.
Genome position (GRCh38, 1-based): chrX:53,548,228, A>G on the plus strand (T>C on the coding strand, the complement: HUWE1 is on the minus strand). VCF-style: chrX-53548228-A-G. GRCh37 (hg19) VCF-style: chrX-53575189-A-G.
Other names: c.10078T>C, p.Cys3360Arg (NM_001441048.1, NM_001441051.1, NM_001441053.1 and 2 more transcripts); c.10081T>C, p.Cys3361Arg (NM_001441049.1, NM_001441054.1, NM_001441057.1); c.10102T>C, p.Cys3368Arg (NM_001441050.1, NM_001441055.1); c.9679T>C, p.Cys3227Arg (NM_001441052.1); short protein forms C3227R, C3360R, C3361R, C3368R.
Identifiers: ClinVar variation 4975284 (VCV004975284.1).

ClinVar aggregate classification (germline): Uncertain significance (1 of 4 stars; one submission).

Submission:

GeneDx
Classification: Uncertain significance. Last evaluated: 2026-01-24. Review status: criteria provided, single submitter. Criteria: GeneDx Variant Classification Process June 2021. Collection method: clinical testing. Allele origin: germline.
Comment: Not observed at significant frequency in large population cohorts (gnomAD); In silico analysis suggests that this missense variant does not alter protein structure/function; Has not been previously published as pathogenic or benign to our knowledge